The following is an entry in ClinVar:

ClinVar aggregate classification (germline): Pathogenic (1 of 4 stars; one submission).

Conditions:
BAP1-related tumor predisposition syndrome (TPDS1). Also called: BAP1 tumor predisposition syndrome; Tumor susceptibility linked to germline BAP1 mutations; COMMON Syndrome; TUMOR PREDISPOSITION SYNDROME 1. Identifiers: Orphanet 289539, MedGen C3280492, MONDO:0013692, OMIM 614327.

Submission:

Myriad Genetics, Inc.
Classification: Pathogenic for BAP1-related tumor predisposition syndrome. Last evaluated: 2023-05-17. Review status: criteria provided, single submitter. Criteria: Myriad Autosomal Dominant, Autosomal Recessive and X-Linked Classification Criteria (2023). Collection method: clinical testing. Allele origin: unknown.
Comment: This variant is considered pathogenic. This variant creates a frameshift predicted to result in premature protein truncation.

NM_004656.4(BAP1):c.973del (p.Ser325fs)

Gene: BAP1 (BRCA1 associated deubiquitinase 1; minus strand). Cytogenetic location: 3p21.1.
Variant type: Deletion.
Coding change: c.973del on transcript NM_004656.4 (MANE Select); coding-DNA position 973, one base deleted (T; older notation c.973delT).
Protein change: p.Ser325fs; shifts the reading frame from serine 325.
Molecular consequence: frameshift variant.
Genome position (GRCh38, 1-based): chr3:52,405,253, A deleted on the plus strand (T on the coding strand, the reverse complement: BAP1 is on the minus strand). VCF-style (leftmost placement, unchanged base first): chr3-52405252-GA-G. GRCh37 (hg19) VCF-style: chr3-52439268-GA-G.
Other names: c.919del, p.Ser307fs (NM_001410772.1); short protein forms S307fs, S325fs.
Identifiers: ClinVar variation 2583765 (VCV002583765.2), dbSNP rs2471337014, ClinGen allele CA2582342862.